The following is an entry in ClinVar:

ClinVar aggregate classification (germline): Benign (1 of 4 stars; one submission).

Allele frequency attached by ClinVar (database versions not stated): 1000 Genomes Project 30x 0.03841; 1000 Genomes Project 0.03914; TOPMed 0.05906; gnomAD 0.06006 and 0.06146.

Submission:

GeneDx
Classification: Benign. Last evaluated: 2018-12-12. Review status: criteria provided, single submitter. Criteria: GeneDx Variant Classification Process June 2021. Collection method: clinical testing. Allele origin: germline. Affected: yes.
Comment: This variant is associated with the following publications: (PMID: 26202972, 16102917)

NC_000005.10:g.150357401C>T

Gene: TCOF1 (treacle ribosome biogenesis factor 1; plus strand). Cytogenetic location: 5q32.
Variant type: single nucleotide variant.
Genome position: GRCh38 VCF-style: chr5-150357401-C-T. GRCh37 (hg19) VCF-style: chr5-149736964-C-T.
Identifiers: ClinVar variation 1268200 (VCV001268200.3), dbSNP rs28372960, ClinGen allele CA129119199.